The following is an entry in ClinVar:

NM_000037.4(ANK1):c.1349C>T (p.Thr450Met)

Gene: ANK1 (ankyrin 1; minus strand). Cytogenetic location: 8p11.21.
Variant type: single nucleotide variant.
Coding change: c.1349C>T on transcript NM_000037.4 (MANE Select); coding-DNA position 1349, C replaced by T.
Protein change: p.Thr450Met; replaces threonine 450 with methionine.
Molecular consequence: missense variant.
Genome position (GRCh38, 1-based): chr8:41,717,008, G>A on the plus strand (C>T on the coding strand, the complement: ANK1 is on the minus strand). VCF-style: chr8-41717008-G-A. GRCh37 (hg19) VCF-style: chr8-41574526-G-A.
Other names: c.1448C>T, p.Thr483Met (NM_001142446.2); c.1349C>T, p.Thr450Met (NM_020475.3, NM_020476.3, NM_020477.3); short protein forms T483M, T450M.
Identifiers: ClinVar variation 2405571 (VCV002405571.3), dbSNP rs193232101, ClinGen allele CA4728645.
Genomic context (GRCh38, chr8:41,717,008, plus strand): 5'-CTCACCTTGGCCTTGGCATTGACTTTGGCTTTGTTCTGGAGTAAATATTTGGCCACTTCC[G>A]TGTGCCCGGCTCTGGCTGCCATGTGTAGCGGGGTCTCCACTTTCTATAAAATAACAAAAT-3'
Protein context (NP_000028.3, residues 440-460): PLHMAARAGH[Thr450Met]EVAKYLLQNK

ClinVar aggregate classification (germline): Uncertain significance. Review status: criteria provided, multiple submitters, no conflicts (2 of 4 stars). 2 submissions from 2 submitters: Uncertain significance (2). Last evaluated 2025-05-04.

Conditions:
Inborn genetic diseases. Identifiers: MedGen C0950123, MeSH D030342.

Allele frequency attached by ClinVar (database versions not stated): TOPMed 0.00004; ExAC 0.00005; gnomAD 0.00005; 1000 Genomes Project 0.00020; 1000 Genomes Project 30x 0.00031.
gnomAD v4.1: 36 of 1,614,218 alleles (0.0022%); highest among the groups gnomAD compares: East Asian, 0.033%; 1 homozygote.

Submissions (2):

Labcorp Genetics (formerly Invitae), Labcorp
Classification: Uncertain significance. Last evaluated: 2025-05-04. Review status: criteria provided, single submitter. Criteria: Invitae Variant Classification Sherloc (09022015). Collection method: clinical testing. Allele origin: germline.
Comment: This sequence change replaces threonine, which is neutral and polar, with methionine, which is neutral and non-polar, at codon 450 of the ANK1 protein (p.Thr450Met). This variant is present in population databases (rs193232101, gnomAD 0.1%), and has an allele count higher than expected for a pathogenic variant. This variant has not been reported in the literature in individuals affected with ANK1-related conditions. ClinVar contains an entry for this variant (Variation ID: 2405571). Invitae Evidence Modeling of protein sequence and biophysical properties (such as structural, functional, and spatial information, amino acid conservation, physicochemical variation, residue mobility, and thermodynamic stability) indicates that this missense variant is not expected to disrupt ANK1 protein function with a negative predictive value of 80%. In summary, the available evidence is currently insufficient to determine the role of this variant in disease. Therefore, it has been classified as a Variant of Uncertain Significance.

Ambry Genetics
Classification: Uncertain significance for Inborn genetic diseases. Last evaluated: 2022-12-02. Review status: criteria provided, single submitter. Criteria: Ambry Variant Classification Scheme 2023. Collection method: clinical testing. Allele origin: germline.